The following is an entry in ClinVar:

GRCh38/hg38 1q21.1-21.2(chr1:146987841-148234205)x1

Genes: ACP6 (acid phosphatase 6, lysophosphatidic; minus strand), BCL9 (BCL9 transcription coactivator; plus strand), CHD1L (chromodomain helicase DNA binding protein 1 like; plus strand), FMO5 (flavin containing dimethylaniline monoxygenase 5; minus strand), GJA5 (gap junction protein alpha 5; minus strand) and 35 more. Cytogenetic location: 1q21.1-21.2.
Variant type: copy number loss.
Change: copy number 1 (one copy instead of two) of chr1:146,987,841-148,234,205 (1.25 Mb, GRCh38 coordinates, 1-based), cytogenetic band 1q21.1-21.2.
Identifiers: ClinVar variation 58512 (VCV000058512.2).

ClinVar aggregate classification (germline): Pathogenic (1 of 4 stars; one submission).

Submission:

ISCA Site 6
Classification: Pathogenic. Last evaluated: 2011-08-12. Review status: criteria provided, single submitter. Criteria: Kaminsky et al. (Genet Med. 2011). Collection method: clinical testing. Allele origin: unknown. Affected: yes. Observed: 1 variant allele.
Comment: Copy number variation identified through the course of routine clinical cytogenomic testing in postnatal populations. Clinical assertions have been curated as described in Kaminsky et al. 2011.